The following is an entry in ClinVar:

ClinVar aggregate classification (germline): Uncertain significance (1 of 4 stars; one submission).

Conditions:
FLNA-related disorder.

Submission:

PreventionGenetics, part of Exact Sciences
Classification: Uncertain significance for FLNA-related condition. Last evaluated: 2023-06-27. Review status: criteria provided, single submitter. Criteria: ACMG Guidelines, 2015. Collection method: clinical testing. Allele origin: germline.
Comment: The FLNA c.1988T>C variant is predicted to result in the amino acid substitution p.Ile663Thr. To our knowledge, this variant has not been reported in the literature or in a large population database, indicating this variant is rare. At this time, the clinical significance of this variant is uncertain due to the absence of conclusive functional and genetic evidence.

NM_001110556.2(FLNA):c.1988T>C (p.Ile663Thr)

Gene: FLNA (filamin A; minus strand). Cytogenetic location: Xq28.
Variant type: single nucleotide variant.
Coding change: c.1988T>C on transcript NM_001110556.2 (MANE Select); coding-DNA position 1988, T replaced by C.
Protein change: p.Ile663Thr; replaces isoleucine 663 with threonine.
Molecular consequence: missense variant.
Genome position (GRCh38, 1-based): chrX:154,364,560, A>G on the plus strand (T>C on the coding strand, the complement: FLNA is on the minus strand). VCF-style: chrX-154364560-A-G. GRCh37 (hg19) VCF-style: chrX-153592928-A-G.
Other names: c.1988T>C, p.Ile663Thr (NM_001456.4); short protein forms I663T.
Identifiers: ClinVar variation 2631559 (VCV002631559.1), dbSNP rs2522754586, ClinGen allele CA415241257.